The following is an entry in ClinVar:

NM_001127178.3(PIGG):c.1614+5G>A

Gene: PIGG (phosphatidylinositol glycan anchor biosynthesis class G (EMM blood group); plus strand). Cytogenetic location: 4p16.3.
Variant type: single nucleotide variant.
Coding change: c.1614+5G>A on transcript NM_001127178.3 (MANE Select); 5 bases into the intron after coding-DNA position 1614, G replaced by A.
Molecular consequence: intron variant. On other transcripts: missense variant (1), 3 prime UTR variant (2), non-coding transcript variant (1).
Genome position (GRCh38, 1-based): chr4:521,946, G>A. VCF-style: chr4-521946-G-A. GRCh37 (hg19) VCF-style: chr4-515735-G-A.
Other names: c.1352G>A, p.Arg451His (NM_001289053.2); c.*181G>A (NM_001289055.2); c.*234G>A (NM_001289057.2); c.516+5G>A (NM_001345994.2); c.1347+5G>A (NM_001345986.2, NM_001289051.2); c.1323+5G>A (NM_001345987.2); c.81+5G>A (NM_001345991.2, NM_001345990.2); c.585+5G>A (NM_001345988.2); and 3 more; short protein forms R451H.
Identifiers: ClinVar variation 966672 (VCV000966672.9), dbSNP rs371161635, ClinGen allele CA2793365.
Genomic context (GRCh38, chr4:521,946, plus strand): 5'-GTGTGATTGTGTCTGTTCTGACCAACGTGCTCGTGGGTGGAAACACCCCAAGGAAGGTAC[G>A]TACGGCTGGTTCCTGGGAGTGTGACGTAGTCCTTCTGCTCAGGTTGTTCTTGTTATTTCA-3'

ClinVar aggregate classification (germline): Uncertain significance. Review status: criteria provided, multiple submitters, no conflicts (2 of 4 stars). 2 submissions from 2 submitters: Uncertain significance (2). Last evaluated 2026-01-16.

Conditions:
Intellectual disability, autosomal recessive 53 (NEDHSCA). Also called: GLYCOSYLPHOSPHATIDYLINOSITOL BIOSYNTHESIS DEFECT 13; Mental retardation, autosomal recessive 53; NEURODEVELOPMENTAL DISORDER WITH OR WITHOUT HYPOTONIA, SEIZURES, AND CEREBELLAR ATROPHY. Identifiers: Orphanet 488635, MedGen C4310794, MONDO:0014832, OMIM 616917.

Allele frequency attached by ClinVar (database versions not stated): gnomAD 0.00008; TOPMed 0.00008; gnomAD exomes 0.00010; ExAC 0.00011; ESP Exome Variant Server 0.00023.
gnomAD v4.1: 116 of 1,613,782 alleles (0.0072%); highest among the groups gnomAD compares: Middle Eastern, 0.049%; no homozygotes.

Submissions (3):

Labcorp Genetics (formerly Invitae), Labcorp
Classification: Uncertain significance for Intellectual disability, autosomal recessive 53. Last evaluated: 2026-01-16. Review status: criteria provided, single submitter. Criteria: Invitae Variant Classification Sherloc (09022015). Collection method: clinical testing. Allele origin: germline.
Comment: This sequence change falls in intron 8 of the PIGG gene. It does not directly change the encoded amino acid sequence of the PIGG protein. It affects a nucleotide within the consensus splice site. This variant is present in population databases (rs371161635, gnomAD 0.05%). This variant has not been reported in the literature in individuals affected with PIGG-related conditions. ClinVar contains an entry for this variant (Variation ID: 966672). Variants that disrupt the consensus splice site are a relatively common cause of aberrant splicing (PMID: 17576681, 9536098). Algorithms developed to predict the effect of sequence changes on RNA splicing suggest that this variant may disrupt the consensus splice site. In summary, the available evidence is currently insufficient to determine the role of this variant in disease. Therefore, it has been classified as a Variant of Uncertain Significance.

GeneDx
Classification: Uncertain significance. Last evaluated: 2025-09-26. Review status: criteria provided, single submitter. Criteria: GeneDx Variant Classification Process June 2021. Collection method: clinical testing. Allele origin: germline.
Comment: Has not been previously published as pathogenic or benign to our knowledge; In silico analysis is inconclusive as to whether the variant alters gene splicing. In the absence of RNA/functional studies, the actual effect of this sequence change is unknown.

Dr. Peter K. Rogan Lab, Western University
No classification provided (evidence only). Condition: Gastric cancer. Review status: no classification provided. Collection method: in vitro. Allele origin: not applicable. Functional consequence: retained intron. Not counted in ClinVar's aggregate classification.

Literature cited by the submitters: PubMed 17576681 (cited by Labcorp Genetics (formerly Invitae), Labcorp); PubMed 9536098 (cited by Labcorp Genetics (formerly Invitae), Labcorp).